The following is an entry in ClinVar:

NM_019032.6(ADAMTSL4):c.1661T>A (p.Val554Asp)

Genes: ADAMTSL4 (ADAMTS like 4; plus strand), ADAMTSL4-AS2 (ADAMTSL4 antisense RNA 2; minus strand). Cytogenetic location: 1q21.2.
Variant type: single nucleotide variant.
Coding change: c.1661T>A on transcript NM_019032.6 (MANE Select); coding-DNA position 1661, T replaced by A.
Protein change: p.Val554Asp; replaces valine 554 with aspartic acid.
Molecular consequence: missense variant.
Genome position (GRCh38, 1-based): chr1:150,556,705, T>A. VCF-style: chr1-150556705-T-A. GRCh37 (hg19) VCF-style: chr1-150529181-T-A.
Other names: c.1730T>A, p.Val577Asp (NM_001288607.2, NM_001288608.2); c.1661T>A, p.Val554Asp (NM_001378596.1, NM_025008.5); short protein forms V577D, V554D.
Identifiers: ClinVar variation 1378827 (VCV001378827.6), dbSNP rs146557547, ClinGen allele CA1078355.

ClinVar aggregate classification (germline): Uncertain significance (1 of 4 stars; one submission).

Allele frequency attached by ClinVar (database versions not stated): ExAC 0.00009; gnomAD exomes 0.00009; 1000 Genomes Project 30x 0.00016; 1000 Genomes Project 0.00020; gnomAD 0.00031 and 0.00034; TOPMed 0.00032; ESP Exome Variant Server 0.00038.
gnomAD v4.1: 96 of 1,613,886 alleles (0.0059%); highest among the groups gnomAD compares: African/African-American, 0.12%; no homozygotes.

Submission:

Labcorp Genetics (formerly Invitae), Labcorp
Classification: Uncertain significance. Last evaluated: 2025-09-28. Review status: criteria provided, single submitter. Criteria: Invitae Variant Classification Sherloc (09022015). Collection method: clinical testing. Allele origin: germline.
Comment: This sequence change replaces valine, which is neutral and non-polar, with aspartic acid, which is acidic and polar, at codon 554 of the ADAMTSL4 protein (p.Val554Asp). This variant is present in population databases (rs146557547, gnomAD 0.1%). This variant has not been reported in the literature in individuals affected with ADAMTSL4-related conditions. ClinVar contains an entry for this variant (Variation ID: 1378827). Invitae Evidence Modeling of protein sequence and biophysical properties (such as structural, functional, and spatial information, amino acid conservation, physicochemical variation, residue mobility, and thermodynamic stability) indicates that this missense variant is not expected to disrupt ADAMTSL4 protein function with a negative predictive value of 80%. In summary, the available evidence is currently insufficient to determine the role of this variant in disease. Therefore, it has been classified as a Variant of Uncertain Significance.